The following is an entry in ClinVar:

ClinVar aggregate classification (germline): Conflicting classifications of pathogenicity. Review status: criteria provided, conflicting classifications (1 of 4 stars). 6 submissions from 6 submitters: Uncertain significance (1); Benign (1); Likely benign (4). Last evaluated 2026-06-24.

Conditions:
Telangiectasia, hereditary hemorrhagic, type 1 (HHT1). Also called: Osler Weber Rendu syndrome type 1; ENG-Related Hereditary Hemorrhagic Telangiectasia. Identifiers: Orphanet 774, MedGen C4551861, MONDO:0008535, OMIM 187300. Disease mechanism: loss of function.
Hereditary hemorrhagic telangiectasia (HHT). Also called: Osler hemorrhagic telangiectasia syndrome; ORW DISEASE; Osler Weber Rendu syndrome; OSLER-RENDU-WEBER DISEASE. Identifiers: Orphanet 774, MedGen C0039445, MONDO:0019180. Disease mechanism: loss of function.
ENG-related disorder. Also called: ENG-related condition; ENG-related disorders.

Allele frequency attached by ClinVar (database versions not stated): gnomAD exomes 0.00014 and 0.00015; gnomAD 0.00015 and 0.00016; TOPMed 0.00015; ExAC 0.00017.
gnomAD v4.1: 254 of 1,614,106 alleles (0.016%); highest among the groups gnomAD compares: Middle Eastern, 0.91%; 2 homozygotes.

Submissions (7):

PreventionGenetics, part of Exact Sciences
Classification: Likely benign for ENG-related condition. Last evaluated: 2026-06-24. Review status: criteria provided, single submitter. Criteria: ACMG Guidelines, 2015. Collection method: clinical testing. Allele origin: germline.
Comment: This variant is classified as likely benign based on ACMG/AMP sequence variant interpretation guidelines (Richards et al. 2015 PMID: 25741868, with internal and published modifications).

CeGaT Center for Human Genetics Tuebingen
Classification: Likely benign. Last evaluated: 2025-12-01. Review status: criteria provided, single submitter. Criteria: CeGaT Center For Human Genetics Tuebingen Variant Classification Criteria Version 2. Collection method: clinical testing. Allele origin: germline. Affected: yes. Observed: 4 variant alleles.
Comment: ENG: BP4, BP7

ARUP Laboratories, Molecular Genetics and Genomics, ARUP Laboratories
Classification: Benign for Telangiectasia, hereditary hemorrhagic, type 1. Last evaluated: 2025-07-18. Review status: criteria provided, single submitter. Criteria: ARUP Molecular Germline Variant Investigation Process 2024. Collection method: clinical testing. Allele origin: germline.

Blueprint Genetics
Classification: Likely benign. Last evaluated: 2024-11-22. Review status: criteria provided, single submitter. Criteria: ACMG Guidelines, 2015. Collection method: clinical testing. Allele origin: germline.

Labcorp Genetics (formerly Invitae), Labcorp
Classification: Likely benign for Hereditary hemorrhagic telangiectasia. Last evaluated: 2019-12-31. Review status: criteria provided, single submitter. Criteria: Invitae Variant Classification Sherloc (09022015). Collection method: clinical testing. Allele origin: germline.

Illumina Laboratory Services, Illumina
Classification: Uncertain significance for Telangiectasia, hereditary hemorrhagic, type 1. Last evaluated: 2018-01-13. Review status: criteria provided, single submitter. Criteria: ICSL Variant Classification Criteria 13 December 2019. Collection method: clinical testing. Allele origin: germline.

Dr. Peter K. Rogan Lab, Western University
No classification provided (evidence only). Condition: Nonpapillary renal cell carcinoma. Review status: no classification provided. Collection method: in vitro. Allele origin: not applicable. Functional consequence: skipped exon, retained intron. Not counted in ClinVar's aggregate classification.

NM_001114753.3(ENG):c.321G>T (p.Leu107=)

Gene: ENG (endoglin; minus strand). Cytogenetic location: 9q34.11.
Variant type: single nucleotide variant.
Coding change: c.321G>T on transcript NM_001114753.3 (MANE Select); coding-DNA position 321, G replaced by T.
Protein change: p.Leu107=; no amino-acid change (leucine 107 retained).
Molecular consequence: synonymous variant. On other transcripts: 5 prime UTR variant (1).
Genome position (GRCh38, 1-based): chr9:127,829,726, C>A on the plus strand (G>T on the coding strand, the complement: ENG is on the minus strand). VCF-style: chr9-127829726-C-A. GRCh37 (hg19) VCF-style: chr9-130592005-C-A.
Other names: NC_000009.11:g.130592005C>A; c.321G>T, p.Leu107= (NM_000118.4, NM_001406715.1); c.-226G>T (NM_001278138.2).
Identifiers: ClinVar variation 365095 (VCV000365095.47), dbSNP rs767907933, ClinGen allele CA5253161.